The following is an entry in ClinVar:

ClinVar aggregate classification (germline): Conflicting classifications of pathogenicity. Review status: criteria provided, conflicting classifications (1 of 4 stars). 7 submissions from 7 submitters: Pathogenic (1); Likely pathogenic (4); Uncertain significance (1). 1 of the submissions does not count toward it. Last evaluated 2026-01-11.

Conditions:
EYS-related disorder. Also called: EYS-related condition.
Retinitis pigmentosa (RP). Identifiers: Orphanet 791, MedGen C0035334, MeSH D012174, MONDO:0019200, OMIM 268000. Inheritance: Autosomal dominant, autosomal recessive and X linked inheritance.
Retinitis pigmentosa 25 (RP25). Identifiers: Orphanet 791, MedGen C1864446, MONDO:0011272, OMIM 602772.
EYS-related retinopathy. Identifiers: MedGen CN322597, MONDO:0800391.

Allele frequency attached by ClinVar (database versions not stated): TOPMed 0.00006; ESP Exome Variant Server 0.00008.
gnomAD v4.1: 21 of 1,605,154 alleles (0.0013%); highest among the groups gnomAD compares: Middle Eastern, 0.017%; no homozygotes.

Submissions (7):

Labcorp Genetics (formerly Invitae), Labcorp
Classification: Likely pathogenic. Last evaluated: 2026-01-11. Review status: criteria provided, single submitter. Criteria: Invitae Variant Classification Sherloc (09022015). Collection method: clinical testing. Allele origin: germline.
Comment: This sequence change affects an acceptor splice site in intron 4 of the EYS gene. It is expected to disrupt RNA splicing. Variants that disrupt the donor or acceptor splice site typically lead to a loss of protein function (PMID: 16199547), and loss-of-function variants in EYS are known to be pathogenic (PMID: 18836446, 20333770). This variant is present in population databases (rs368159852, gnomAD 0.006%). Disruption of this splice site has been observed in individual(s) with retinitis pigmentosa (PMID: 32531858). ClinVar contains an entry for this variant (Variation ID: 813182). Algorithms developed to predict the effect of sequence changes on RNA splicing suggest that this variant may disrupt the consensus splice site. In summary, the currently available evidence indicates that the variant is pathogenic, but additional data are needed to prove that conclusively. Therefore, this variant has been classified as Likely Pathogenic.

PreventionGenetics, part of Exact Sciences
Classification: Uncertain significance for EYS-related condition. Last evaluated: 2025-12-11. Review status: criteria provided, single submitter. Criteria: ACMG Guidelines, 2015. Collection method: clinical testing. Allele origin: germline.
Comment: The EYS c.749-1G>C variant is predicted to disrupt the AG splice acceptor site and interfere with normal splicing. If this variant results in exon skipping, it is predicted to result in an in-frame deletion of 38 amino acids. This variant has been reported in an individual with retinitis pigmentosa (Table S3, Weisschuh et al. 2020. PubMed ID: 32531858); however, a second EYS variant was not reported. This variant is reported in 0.0058% of alleles in individuals of Latino descent in gnomAD. Although we suspect that this variant may be pathogenic, at this time, the clinical significance of this variant is uncertain due to the absence of conclusive functional and genetic evidence.

Fulgent Genetics
Classification: Likely pathogenic for Retinitis pigmentosa 25. Last evaluated: 2024-01-23. Review status: criteria provided, single submitter. Criteria: ACMG Guidelines, 2015. Collection method: clinical testing. Allele origin: germline.

Blueprint Genetics
Classification: Likely pathogenic for EYS-related disorders. Last evaluated: 2023-03-31. Review status: criteria provided, single submitter. Criteria: ACMG Guidelines, 2015. Collection method: clinical testing. Allele origin: germline. Affected: yes. Observed: 4 variant alleles.

Department of Pathology and Laboratory Medicine, Sinai Health System
Classification: Likely pathogenic for EYS-related retinopathy. Last evaluated: 2023-03-13. Review status: criteria provided, single submitter. Criteria: ACMG Guidelines, 2015. Collection method: research. Allele origin: germline.

Molecular Genetics Laboratory, Institute for Ophthalmic Research
Classification: Pathogenic for Retinitis pigmentosa. Last evaluated: 2020-01-09. Review status: criteria provided, single submitter. Criteria: ACMG Guidelines, 2015. Collection method: research. Allele origin: germline. Affected: yes.

Natera, Inc.
Classification: Likely pathogenic for Retinitis pigmentosa. Last evaluated: 2020-09-16. Review status: no assertion criteria provided. Collection method: clinical testing. Allele origin: germline. Not counted in ClinVar's aggregate classification.

Literature cited by the submitters: PubMed 16199547 (cited by Labcorp Genetics (formerly Invitae), Labcorp); PubMed 18836446 (cited by Labcorp Genetics (formerly Invitae), Labcorp); PubMed 20333770 (cited by Labcorp Genetics (formerly Invitae), Labcorp); PubMed 32531858 (cited by Labcorp Genetics (formerly Invitae), Labcorp).

NM_001142800.2(EYS):c.749-1G>C

Gene: EYS (EGF-like photoreceptor maintenance factor; minus strand). Cytogenetic location: 6q12.
Variant type: single nucleotide variant.
Coding change: c.749-1G>C on transcript NM_001142800.2 (MANE Select); the canonical splice acceptor site of the intron before coding-DNA position 749, G replaced by C.
Molecular consequence: splice acceptor variant.
Genome position (GRCh38, 1-based): chr6:65,490,708, C>G on the plus strand (G>C on the coding strand, the complement: EYS is on the minus strand). VCF-style: chr6-65490708-C-G. GRCh37 (hg19) VCF-style: chr6-66200601-C-G.
Other names: c.749-1G>C (NM_001292009.2, NM_001142801.2, NM_198283.2).
Identifiers: ClinVar variation 813182 (VCV000813182.20), dbSNP rs368159852, ClinGen allele CA3877991.
Genomic context (GRCh38, chr6:65,490,708, plus strand): 5'-AGTTTCCATGGAAACAGACATGTGGTTGACACTGGCCAATTATTTCTGAGCAATTCTTTC[C>G]TATAACAATGAAAAAAAGTTTTTTTTACATTGGATATCAATATTATAACCATCAGTTTTC-3'